The following is an entry in ClinVar:

ClinVar aggregate classification (germline): Likely benign. Review status: criteria provided, multiple submitters, no conflicts (2 of 4 stars). 2 submissions from 2 submitters: Likely benign (2). Last evaluated 2026-01-08.

Conditions:
CFP-related disorder. Also called: CFP-related condition.

Allele frequency attached by ClinVar (database versions not stated): gnomAD exomes 0.00002 and 0.00005; ExAC 0.00006; gnomAD 0.00014 and 0.00016; TOPMed 0.00034.
gnomAD v4.1: 40 of 1,193,152 alleles (0.0034%); highest among the groups gnomAD compares: Admixed American, 0.054%; 1 homozygote.

Submissions (2):

Labcorp Genetics (formerly Invitae), Labcorp
Classification: Likely benign. Last evaluated: 2026-01-08. Review status: criteria provided, single submitter. Criteria: Invitae Variant Classification Sherloc (09022015). Collection method: clinical testing. Allele origin: germline.

PreventionGenetics, part of Exact Sciences
Classification: Likely benign for CFP-related condition. Last evaluated: 2024-10-23. Review status: criteria provided, single submitter. Criteria: ACMG Guidelines, 2015. Collection method: clinical testing. Allele origin: germline.
Comment: This variant is classified as likely benign based on ACMG/AMP sequence variant interpretation guidelines (Richards et al. 2015 PMID: 25741868, with internal and published modifications).

NM_001145252.3(CFP):c.582G>T (p.Gly194=)

Gene: CFP (complement factor properdin; minus strand). Cytogenetic location: Xp11.23.
Variant type: single nucleotide variant.
Coding change: c.582G>T on transcript NM_001145252.3 (MANE Select); coding-DNA position 582, G replaced by T.
Protein change: p.Gly194=; no amino-acid change (glycine 194 retained).
Molecular consequence: synonymous variant.
Genome position (GRCh38, 1-based): chrX:47,627,325, C>A on the plus strand (G>T on the coding strand, the complement: CFP is on the minus strand). VCF-style: chrX-47627325-C-A. GRCh37 (hg19) VCF-style: chrX-47486724-C-A.
Other names: c.582G>T, p.Gly194= (NM_002621.2).
Identifiers: ClinVar variation 1550491 (VCV001550491.9), dbSNP rs781475195, ClinGen allele CA10398930.
Genomic context (GRCh38, chrX:47,627,325, plus strand): 5'-GTGGGGTCCACCGTGGCAGGAGGCTGAGCAGGGGGTCCAGGGGCCCCAGGTGGCCCAGGC[C>A]CCGTGTGCTGTGGTGGGGTGGGAGGTGGAGGGATGCAGGTGTGGTCATGCATGCTAAAGT-3'
Protein context (NP_001138724.1, residues 184-204): CDTQQVCPTH[Gly194=]AWATWGPWTP